The following is an entry in ClinVar:

NM_006734.4(HIVEP2):c.4187G>C (p.Gly1396Ala)

Gene: HIVEP2 (HIVEP zinc finger 2; minus strand). Cytogenetic location: 6q24.2.
Variant type: single nucleotide variant.
Coding change: c.4187G>C on transcript NM_006734.4 (MANE Select); coding-DNA position 4187, G replaced by C.
Protein change: p.Gly1396Ala; replaces glycine 1396 with alanine.
Molecular consequence: missense variant.
Genome position (GRCh38, 1-based): chr6:142,770,552, C>G on the plus strand (G>C on the coding strand, the complement: HIVEP2 is on the minus strand). VCF-style: chr6-142770552-C-G. GRCh37 (hg19) VCF-style: chr6-143091689-C-G.
Other names: c.4187G>C, p.Gly1396Ala (NM_001438449.1, NM_001438450.1, NM_001438451.1); short protein forms G1396A.
Identifiers: ClinVar variation 4538854 (VCV004538854.1).
Genomic context (GRCh38, chr6:142,770,552, plus strand): 5'-CCGAGGGGCAAAGTCTGAGGTGCTTTCCAAATGGGGTACTTCTCCAAGCCCGCATGCTGC[C>G]CCAGCACCTGGGCAATGTTGAATCCTATCCCTTGCATGGCTGCGTTGGTGACCAGTGTCC-3'
Protein context (NP_006725.3, residues 1386-1406): GIGFNIAQVL[Gly1396Ala]QHAGLEKYPI

ClinVar aggregate classification (germline): Uncertain significance (1 of 4 stars; one submission).

Submission:

GeneDx
Classification: Uncertain significance. Last evaluated: 2025-06-16. Review status: criteria provided, single submitter. Criteria: GeneDx Variant Classification Process June 2021. Collection method: clinical testing. Allele origin: germline. Affected: yes.
Comment: Not observed at significant frequency in large population cohorts (gnomAD); In silico analysis suggests that this missense variant does not alter protein structure/function; Has not been previously published as pathogenic or benign to our knowledge